The following is an entry in ClinVar:

ClinVar aggregate classification (germline): Pathogenic (1 of 4 stars; one submission).

Submission:

Labcorp Genetics (formerly Invitae), Labcorp
Classification: Pathogenic. Last evaluated: 2025-11-13. Review status: criteria provided, single submitter. Criteria: Invitae Variant Classification Sherloc (09022015). Collection method: clinical testing. Allele origin: germline.
Comment: This sequence change creates a premature translational stop signal (p.Ser1863*) in the EYS gene. It is expected to result in an absent or disrupted protein product. Loss-of-function variants in EYS are known to be pathogenic (PMID: 18836446, 20333770). This variant is not present in population databases (gnomAD no frequency). This variant has not been reported in the literature in individuals affected with EYS-related conditions. ClinVar contains an entry for this variant (Variation ID: 2772541). For these reasons, this variant has been classified as Pathogenic.

Literature cited by the submitters: PubMed 18836446; PubMed 20333770.

NM_001142800.2(EYS):c.5584_5587dup (p.Ser1863Ter)

Gene: EYS (EGF-like photoreceptor maintenance factor; minus strand). Cytogenetic location: 6q12.
Variant type: Duplication.
Coding change: c.5584_5587dup on transcript NM_001142800.2 (MANE Select); coding-DNA positions 5584 to 5587, 4 bases duplicated (AGAT; older notation c.5584_5587dupAGAT).
Protein change: p.Ser1863Ter; replaces serine 1863 with a stop codon.
Molecular consequence: nonsense.
Genome position (GRCh38, 1-based): chr6:64,590,280-64,590,283, ATCT duplicated on the plus strand (AGAT on the coding strand, the reverse complement: EYS is on the minus strand); duplicating any 4 consecutive bases within chr6:64,590,280-64,590,284 gives the same sequence; the c. name uses the placement nearest the transcript's 3' end. VCF-style (leftmost placement, unchanged base first): chr6-64590279-G-GATCT. GRCh37 (hg19) VCF-style: chr6-65300172-G-GATCT.
Other names: c.5584_5587dup, p.Ser1863Ter (NM_001292009.2); short protein forms S1863*.
Identifiers: ClinVar variation 2772541 (VCV002772541.3), dbSNP rs2533148777, ClinGen allele CA2697553551.
Genomic context (GRCh38, chr6:64,590,279, plus strand): 5'-TCACCAGAAATCATCAGCCGTTGAGGTGCCAGAATGGATTCCAGTGAAGACAAAGTAAGA[G>GATCT]ATCTAGTGAAGGGAAGATGCCGGCTTGCAGTGGGAAATTCCTGATATTGCACACTAGGCT-3'